The following is an entry in ClinVar:

ClinVar aggregate classification (germline): Uncertain significance (1 of 4 stars; one submission).

Allele frequency attached by ClinVar (database versions not stated): ExAC 0.00001; gnomAD 0.00002; gnomAD exomes 0.00002; TOPMed 0.00005.
gnomAD v4.1: 16 of 1,613,320 alleles (0.00099%); highest among the groups gnomAD compares: Admixed American, 0.022%; no homozygotes.

Submission:

Labcorp Genetics (formerly Invitae), Labcorp
Classification: Uncertain significance. Last evaluated: 2022-08-12. Review status: criteria provided, single submitter. Criteria: Invitae Variant Classification Sherloc (09022015). Collection method: clinical testing. Allele origin: germline.
Comment: This sequence change replaces histidine, which is basic and polar, with tyrosine, which is neutral and polar, at codon 1549 of the TTC37 protein (p.His1549Tyr). This variant is present in population databases (rs778178149, gnomAD 0.02%). This variant has not been reported in the literature in individuals affected with TTC37-related conditions. Algorithms developed to predict the effect of missense changes on protein structure and function (SIFT, PolyPhen-2, Align-GVGD) all suggest that this variant is likely to be tolerated. In summary, the available evidence is currently insufficient to determine the role of this variant in disease. Therefore, it has been classified as a Variant of Uncertain Significance.

NM_014639.4(SKIC3):c.4645C>T (p.His1549Tyr)

Gene: SKIC3 (SKI3 subunit of superkiller complex; minus strand). Cytogenetic location: 5q15.
Variant type: single nucleotide variant.
Coding change: c.4645C>T on transcript NM_014639.4 (MANE Select); coding-DNA position 4645, C replaced by T.
Protein change: p.His1549Tyr; replaces histidine 1549 with tyrosine.
Molecular consequence: missense variant.
Genome position (GRCh38, 1-based): chr5:95,464,657, G>A on the plus strand (C>T on the coding strand, the complement: SKIC3 is on the minus strand). VCF-style: chr5-95464657-G-A. GRCh37 (hg19) VCF-style: chr5-94800361-G-A.
Other names: short protein forms H1549Y.
Identifiers: ClinVar variation 1924068 (VCV001924068.2), dbSNP rs778178149, ClinGen allele CA3346322.